The following is an entry in ClinVar:

ClinVar aggregate classification (germline): Likely pathogenic (1 of 4 stars; one submission).

Conditions:
Hereditary cancer-predisposing syndrome. Also called: Neoplastic Syndromes, Hereditary; Tumor predisposition; Hereditary Cancer Syndrome; Hereditary neoplastic syndrome. Identifiers: Orphanet 140162, MedGen C0027672, MeSH D009386, MONDO:0015356.

Submission:

Ambry Genetics
Classification: Likely pathogenic for Hereditary cancer-predisposing syndrome. Last evaluated: 2025-06-09. Review status: criteria provided, single submitter. Criteria: Ambry Variant Classification Scheme 2023. Collection method: clinical testing. Allele origin: germline.
Comment: The c.8933_8934insAlu likely pathogenic variant results from the insertion of an Alu element between nucleotides 8933 and 8934 in coding exon 21 of the BRCA2 gene. Mobile element insertions contribute to pathogenicity by either disrupting the coding sequence or inducing aberrant splicing (Belancio VP et al. Semin. Cancer Biol. 2010 Aug;20:200-10; Deininger P et al. Genome Biol. 2011 Dec;12:236; van der Klift HM Hum Mutat. 2012 Jul;33(7):1051-5). Other Alu element insertions have been reported in coding exon 21 of the BRCA2 gene (Miki Y et al. Nat Genet. 1996 Jun;13(2):245-7; Qian Y et al. Cancer Genet. 2017 Oct;216-217:159-169). Based on the majority of available evidence to date, this variant is likely to be pathogenic.

NM_000059.3:c.8933_8934insALU

Gene: BRCA2 (BRCA2 DNA repair associated; plus strand).
Variant type: Insertion.
Identifiers: ClinVar variation 1765164 (VCV001765164.3).